The following is an entry in ClinVar:

NM_153033.5(KCTD7):c.380A>G (p.Lys127Arg)

Gene: KCTD7 (potassium channel tetramerization domain containing 7; plus strand). Cytogenetic location: 7q11.21.
Variant type: single nucleotide variant.
Coding change: c.380A>G on transcript NM_153033.5 (MANE Select); coding-DNA position 380, A replaced by G.
Protein change: p.Lys127Arg; replaces lysine 127 with arginine.
Molecular consequence: missense variant.
Genome position (GRCh38, 1-based): chr7:66,638,318, A>G. VCF-style: chr7-66638318-A-G. GRCh37 (hg19) VCF-style: chr7-66103305-A-G.
Other names: c.380A>G, p.Lys127Arg (NM_001167961.2); short protein forms K127R.
Identifiers: ClinVar variation 1039512 (VCV001039512.4), dbSNP rs765083971, ClinGen allele CA4278246.
Genomic context (GRCh38, chr7:66,638,318, plus strand): 5'-TGCTGAATTTCCTGCGCTCAGGGGACCTCCCACCCAGGGAGCGTGTTCGAGCTGTGTACA[A>G]AGAGGCCCAGTACTATGCCATCGGGCCCCTCCTGGAGCAGCTGGAGAACATGCAGCCACT-3'
Protein context (NP_694578.1, residues 117-137): PPRERVRAVY[Lys127Arg]EAQYYAIGPL

ClinVar aggregate classification (germline): Uncertain significance (1 of 4 stars; one submission).

Conditions:
Progressive myoclonic epilepsy type 3. Also called: KCTD7-Related Progressive Myoclonic Epilepsy; EPILEPSY, PROGRESSIVE MYOCLONIC, 3, WITHOUT INTRACELLULAR INCLUSIONS; EPILEPSY, PROGRESSIVE MYOCLONIC, 3, WITH OR WITHOUT INTRACELLULAR INCLUSIONS; CEROID LIPOFUSCINOSIS, NEURONAL, 14. Identifiers: Orphanet 263516, MedGen C2673257, MONDO:0012721, OMIM 611726.

Allele frequency attached by ClinVar (database versions not stated): gnomAD 0.00001; gnomAD exomes 0.00001; ExAC 0.00002; TOPMed 0.00002.
gnomAD v4.1: 10 of 1,614,100 alleles (0.00062%); highest among the groups gnomAD compares: East Asian, 0.0045%; no homozygotes.

Submission:

Labcorp Genetics (formerly Invitae), Labcorp
Classification: Uncertain significance for Progressive myoclonic epilepsy type 3. Last evaluated: 2022-05-31. Review status: criteria provided, single submitter. Criteria: Invitae Variant Classification Sherloc (09022015). Collection method: clinical testing. Allele origin: germline.
Comment: This sequence change replaces lysine, which is basic and polar, with arginine, which is basic and polar, at codon 127 of the KCTD7 protein (p.Lys127Arg). The frequency data for this variant in the population databases is considered unreliable, as metrics indicate poor data quality at this position in the gnomAD database. This variant has not been reported in the literature in individuals affected with KCTD7-related conditions. ClinVar contains an entry for this variant (Variation ID: 1039512). Algorithms developed to predict the effect of missense changes on protein structure and function (SIFT, PolyPhen-2, Align-GVGD) all suggest that this variant is likely to be tolerated. Algorithms developed to predict the effect of sequence changes on RNA splicing suggest that this variant may create or strengthen a splice site. In summary, the available evidence is currently insufficient to determine the role of this variant in disease. Therefore, it has been classified as a Variant of Uncertain Significance.